The following is an entry in ClinVar:

ClinVar aggregate classification (germline): Pathogenic (1 of 4 stars; one submission).

Submission:

Labcorp Genetics (formerly Invitae), Labcorp
Classification: Pathogenic. Last evaluated: 2022-01-07. Review status: criteria provided, single submitter. Criteria: Invitae Variant Classification Sherloc (09022015). Collection method: clinical testing. Allele origin: germline.
Comment: This variant is a gross deletion of the genomic region encompassing exon(s) 17-20 of the USH2A gene. This variant would be expected to be in-frame, preserving the integrity of the reading frame. This variant has not been reported in the literature in individuals affected with USH2A-related conditions. This variant disrupts a region of the USH2A protein in which other variant(s) (p.Ser1369Leu) have been determined to be pathogenic (PMID: 20591486, 24154662, 26927203, 27957503, 31047384; Invitae). This suggests that this is a clinically significant region of the protein, and that variants that disrupt it are likely to be disease-causing. For these reasons, this variant has been classified as Pathogenic.

Literature cited by the submitters: PubMed 20591486; PubMed 24154662; PubMed 26927203; PubMed 27957503; PubMed 31047384.

NC_000001.10:g.(?_216363565)_(216373463_?)del

Gene: USH2A (usherin; minus strand). Cytogenetic location: 1q41.
Variant type: Deletion.
Identifiers: ClinVar variation 1068096 (VCV001068096.2).